The following is an entry in ClinVar:

NM_000353.3(TAT):c.841C>T (p.Arg281Cys)

Genes: TAT (tyrosine aminotransferase; minus strand), TAT-AS1 (TAT antisense RNA 1; plus strand). Cytogenetic location: 16q22.2.
Variant type: single nucleotide variant.
Coding change: c.841C>T on transcript NM_000353.3 (MANE Select); coding-DNA position 841, C replaced by T.
Protein change: p.Arg281Cys; replaces arginine 281 with cysteine.
Molecular consequence: missense variant.
Genome position (GRCh38, 1-based): chr16:71,570,750, G>A on the plus strand (C>T on the coding strand, the complement: TAT is on the minus strand). VCF-style: chr16-71570750-G-A. GRCh37 (hg19) VCF-style: chr16-71604653-G-A.
Other names: c.841C>T (NM_000353.2); short protein forms R281C.
Identifiers: ClinVar variation 3905127 (VCV003905127.10).

ClinVar aggregate classification (germline): Uncertain significance. Review status: criteria provided, multiple submitters, no conflicts (2 of 4 stars). 2 submissions from 2 submitters: Uncertain significance (2). Last evaluated 2025-06-07.

Conditions:
Inborn genetic diseases. Identifiers: MedGen C0950123, MeSH D030342.

gnomAD v4.1: 53 of 1,614,092 alleles (0.0033%); highest among the groups gnomAD compares: East Asian, 0.024%; no homozygotes.

Submissions (2):

Ambry Genetics
Classification: Uncertain significance for Inborn genetic diseases. Last evaluated: 2025-06-07. Review status: criteria provided, single submitter. Criteria: Ambry Variant Classification Scheme 2023. Collection method: clinical testing. Allele origin: germline.

CeGaT Center for Human Genetics Tuebingen
Classification: Uncertain significance. Last evaluated: 2025-05-01. Review status: criteria provided, single submitter. Criteria: CeGaT Center For Human Genetics Tuebingen Variant Classification Criteria Version 2. Collection method: clinical testing. Allele origin: germline. Affected: yes. Observed: 1 variant allele.
Comment: TAT: PP3